The following is an entry in ClinVar:

NM_014822.4(SEC24D):c.3014T>G (p.Val1005Gly)

Gene: SEC24D (SEC24 homolog D, COPII component; minus strand). Cytogenetic location: 4q26.
Variant type: single nucleotide variant.
Coding change: c.3014T>G on transcript NM_014822.4 (MANE Select); coding-DNA position 3014, T replaced by G.
Protein change: p.Val1005Gly; replaces valine 1005 with glycine.
Molecular consequence: missense variant.
Genome position (GRCh38, 1-based): chr4:118,723,600, A>C on the plus strand (T>G on the coding strand, the complement: SEC24D is on the minus strand). VCF-style: chr4-118723600-A-C. GRCh37 (hg19) VCF-style: chr4-119644755-A-C.
Other names: c.3017T>G, p.Val1006Gly (NM_001318066.2); short protein forms V1005G, V1006G.
Identifiers: ClinVar variation 1345860 (VCV001345860.6), dbSNP rs1725254711, ClinGen allele CA358003403.

ClinVar aggregate classification (germline): Uncertain significance (1 of 4 stars; one submission).

Allele frequency attached by ClinVar (database versions not stated): TOPMed below 0.00001.

Submission:

Labcorp Genetics (formerly Invitae), Labcorp
Classification: Uncertain significance. Last evaluated: 2023-11-19. Review status: criteria provided, single submitter. Criteria: Invitae Variant Classification Sherloc (09022015). Collection method: clinical testing. Allele origin: germline.
Comment: This sequence change replaces valine, which is neutral and non-polar, with glycine, which is neutral and non-polar, at codon 1005 of the SEC24D protein (p.Val1005Gly). This variant is not present in population databases (gnomAD no frequency). This variant has not been reported in the literature in individuals affected with SEC24D-related conditions. ClinVar contains an entry for this variant (Variation ID: 1345860). An algorithm developed to predict the effect of missense changes on protein structure and function (PolyPhen-2) suggests that this variant is likely to be disruptive. In summary, the available evidence is currently insufficient to determine the role of this variant in disease. Therefore, it has been classified as a Variant of Uncertain Significance.